The following is an entry in ClinVar:

NM_177400.3(NKX6-2):c.62A>G (p.Asn21Ser)

Gene: NKX6-2 (NK6 homeobox 2; minus strand). Cytogenetic location: 10q26.3.
Variant type: single nucleotide variant.
Coding change: c.62A>G on transcript NM_177400.3 (MANE Select); coding-DNA position 62, A replaced by G.
Protein change: p.Asn21Ser; replaces asparagine 21 with serine.
Molecular consequence: missense variant.
Genome position (GRCh38, 1-based): chr10:132,785,887, T>C on the plus strand (A>G on the coding strand, the complement: NKX6-2 is on the minus strand). VCF-style: chr10-132785887-T-C. GRCh37 (hg19) VCF-style: chr10-134599391-T-C.
Other names: p.Asn21Ser; short protein forms N21S.
Identifiers: ClinVar variation 2072466 (VCV002072466.2), dbSNP rs781144494, ClinGen allele CA5756159.

ClinVar aggregate classification (germline): Uncertain significance. Review status: criteria provided, multiple submitters, no conflicts (2 of 4 stars). 2 submissions from 2 submitters: Uncertain significance (2). Last evaluated 2025-04-14.

Allele frequency attached by ClinVar (database versions not stated): ExAC 0.00007; gnomAD 0.00011; TOPMed 0.00012; gnomAD exomes 0.00011.
gnomAD v4.1: 147 of 1,395,486 alleles (0.011%); highest among the groups gnomAD compares: Non-Finnish European, 0.012%; no homozygotes.

Submissions (2):

Mayo Clinic Laboratories, Mayo Clinic
Classification: Uncertain significance. Last evaluated: 2025-04-14. Review status: criteria provided, single submitter. Criteria: ACMG Guidelines, 2015. Collection method: clinical testing. Allele origin: germline. Observed: 1 variant allele.
Comment: BP4

Labcorp Genetics (formerly Invitae), Labcorp
Classification: Uncertain significance. Last evaluated: 2022-03-09. Review status: criteria provided, single submitter. Criteria: Invitae Variant Classification Sherloc (09022015). Collection method: clinical testing. Allele origin: germline.
Comment: This sequence change replaces asparagine, which is neutral and polar, with serine, which is neutral and polar, at codon 21 of the NKX6-2 protein (p.Asn21Ser). This variant is present in population databases (rs781144494, gnomAD 0.02%). This variant has not been reported in the literature in individuals affected with NKX6-2-related conditions. Algorithms developed to predict the effect of missense changes on protein structure and function are either unavailable or do not agree on the potential impact of this missense change (SIFT: "Deleterious"; PolyPhen-2: "Benign"; Align-GVGD: "Class C0"). In summary, the available evidence is currently insufficient to determine the role of this variant in disease. Therefore, it has been classified as a Variant of Uncertain Significance.